The following is an entry in ClinVar:

ClinVar aggregate classification (germline): Pathogenic (1 of 4 stars; one submission).

Conditions:
Fanconi anemia (FA). Also called: Fanconi's anemia. Identifiers: Orphanet 84, MedGen C0015625, MeSH D005199, MONDO:0019391.

Submission:

Labcorp Genetics (formerly Invitae), Labcorp
Classification: Pathogenic for Fanconi anemia. Last evaluated: 2023-05-01. Review status: criteria provided, single submitter. Criteria: Invitae Variant Classification Sherloc (09022015). Collection method: clinical testing. Allele origin: germline.
Comment: This variant is not present in population databases (gnomAD no frequency). For these reasons, this variant has been classified as Pathogenic. This variant has not been reported in the literature in individuals affected with FANCD2-related conditions. This sequence change creates a premature translational stop signal (p.Glu778Alafs*29) in the FANCD2 gene. It is expected to result in an absent or disrupted protein product. Loss-of-function variants in FANCD2 are known to be pathogenic (PMID: 17436244).

Literature cited by the submitters: PubMed 17436244.

NM_001018115.3(FANCD2):c.2333_2334del (p.Glu778fs)

Genes: FANCD2 (FA complementation group D2; plus strand), LOC107303338 (3p25 FANCD2 Alu-mediated recombination region; plus strand). Cytogenetic location: 3p25.3.
Variant type: Microsatellite.
Coding change: c.2333_2334del on transcript NM_001018115.3 (MANE Select); coding-DNA positions 2333 to 2334, 2 bases deleted (AG; older notation c.2333_2334delAG).
Protein change: p.Glu778fs; shifts the reading frame from glutamic acid 778.
Molecular consequence: frameshift variant.
Genome position (GRCh38, 1-based): chr3:10,065,927-10,065,928, AG deleted; deleting any 2 consecutive bases within chr3:10,065,925-10,065,928 gives the same sequence; the c. name uses the placement nearest the transcript's 3' end. VCF-style (leftmost placement, unchanged base first): chr3-10065924-AAG-A. GRCh37 (hg19) VCF-style: chr3-10107608-AAG-A.
Other names: c.2333_2334del, p.Glu778fs (NM_001319984.2, NM_001374254.1, NM_033084.6); c.2222_2223del, p.Glu741fs (NM_001374253.1); short protein forms E741fs, E778fs.
Identifiers: ClinVar variation 2861084 (VCV002861084.3), dbSNP rs2469972032, ClinGen allele CA2664391787.